The following is an entry in ClinVar:

ClinVar aggregate classification (germline): Benign/Likely benign. Review status: criteria provided, multiple submitters, no conflicts (2 of 4 stars). 5 submissions from 5 submitters: Benign (1); Likely benign (4). Last evaluated 2025-05-27.

Conditions:
Familial cancer of breast. Also called: BREAST CANCER, FAMILIAL; Hereditary breast cancer; hereditary breast carcinoma. Identifiers: Orphanet 227535, MedGen C0346153, MONDO:0016419, OMIM 114480. Disease mechanism: loss of function.
Hereditary cancer-predisposing syndrome. Also called: Neoplastic Syndromes, Hereditary; Hereditary Cancer Syndrome; Tumor predisposition; Hereditary neoplastic syndrome. Identifiers: Orphanet 140162, MedGen C0027672, MeSH D009386, MONDO:0015356.

Allele frequency attached by ClinVar (database versions not stated): ExAC 0.00001; gnomAD 0.00001; gnomAD exomes 0.00001; TOPMed 0.00001.

Submissions (5):

Labcorp Genetics (formerly Invitae), Labcorp
Classification: Likely benign for Familial cancer of breast. Last evaluated: 2025-05-27. Review status: criteria provided, single submitter. Criteria: Invitae Variant Classification Sherloc (09022015). Collection method: clinical testing. Allele origin: germline.

Myriad Genetics, Inc.
Classification: Benign for Familial cancer of breast. Last evaluated: 2025-01-15. Review status: criteria provided, single submitter. Criteria: Myriad Autosomal Dominant, Autosomal Recessive and X-Linked Classification Criteria (2023). Collection method: clinical testing. Allele origin: unknown.
Comment: This variant is considered benign. This variant is a silent/synonymous amino acid change and it is not expected to impact splicing.

GeneDx
Classification: Likely benign. Last evaluated: 2019-10-29. Review status: criteria provided, single submitter. Criteria: GeneDx Variant Classification Process June 2021. Collection method: clinical testing. Allele origin: germline. Affected: yes.

Color Diagnostics, LLC DBA Color Health
Classification: Likely benign for Hereditary cancer-predisposing syndrome. Last evaluated: 2018-06-11. Review status: criteria provided, single submitter. Criteria: ACMG Guidelines, 2015. Collection method: clinical testing. Allele origin: germline.

Ambry Genetics
Classification: Likely benign for Hereditary cancer-predisposing syndrome. Last evaluated: 2014-11-19. Review status: criteria provided, single submitter. Criteria: Ambry Variant Classification Scheme 2023. Collection method: clinical testing. Allele origin: germline.

NM_024675.4(PALB2):c.2103C>T (p.Ser701=)

Gene: PALB2 (partner and localizer of BRCA2; minus strand). Cytogenetic location: 16p12.2.
Variant type: single nucleotide variant.
Coding change: c.2103C>T on transcript NM_024675.4 (MANE Select); coding-DNA position 2103, C replaced by T.
Protein change: p.Ser701=; no amino-acid change (serine 701 retained).
Molecular consequence: synonymous variant.
Genome position (GRCh38, 1-based): chr16:23,630,051, G>A on the plus strand (C>T on the coding strand, the complement: PALB2 is on the minus strand). VCF-style: chr16-23630051-G-A. GRCh37 (hg19) VCF-style: chr16-23641372-G-A.
Identifiers: ClinVar variation 402297 (VCV000402297.21), dbSNP rs753583700, ClinGen allele CA7963623.